The following is an entry in ClinVar:

NM_007294.4(BRCA1):c.5260G>T (p.Glu1754Ter)

Gene: BRCA1 (BRCA1 DNA repair associated; minus strand). Cytogenetic location: 17q21.31.
Variant type: single nucleotide variant.
Coding change: c.5260G>T on transcript NM_007294.4 (MANE Select); coding-DNA position 5260, G replaced by T.
Protein change: p.Glu1754Ter; replaces glutamic acid 1754 with a stop codon.
Molecular consequence: nonsense. On other transcripts: non-coding transcript variant (1).
Genome position (GRCh38, 1-based): chr17:43,057,069, C>A on the plus strand (G>T on the coding strand, the complement: BRCA1 is on the minus strand). VCF-style: chr17-43057069-C-A. GRCh37 (hg19) VCF-style: chr17-41209086-C-A.
Other names: c.5116G>T, p.Glu1706Ter (NM_001407945.1, NM_001407734.1, NM_001407735.1 and 21 more transcripts); c.4927G>T, p.Glu1643Ter (NM_001407946.1, NM_001407947.1, NM_001407948.1 and 1 more transcripts); c.4924G>T, p.Glu1642Ter (NM_001407950.1, NM_001407951.1, NM_001407952.1 and 3 more transcripts); c.4753G>T, p.Glu1585Ter (NM_001407965.1); c.4372G>T, p.Glu1458Ter (NM_001407966.1); c.4369G>T, p.Glu1457Ter (NM_001407967.1); c.2656G>T, p.Glu886Ter (NM_001407968.1); c.2653G>T, p.Glu885Ter (NM_001407969.1); and 72 more; short protein forms E1754*, E1707*, E1775*, E650*, E1665*, E1682*, E1683*, E1684*.
Identifiers: ClinVar variation 55489 (VCV000055489.17), dbSNP rs80357432, ClinGen allele CA003403.

ClinVar aggregate classification (germline): Pathogenic. Review status: reviewed by expert panel (3 of 4 stars). 7 submissions from 7 submitters: Pathogenic (1). 6 of the submissions do not count toward it. Last evaluated 2016-09-08.

Conditions:
Hereditary cancer-predisposing syndrome. Also called: Hereditary Cancer Syndrome; Hereditary neoplastic syndrome; Neoplastic Syndromes, Hereditary; Tumor predisposition. Identifiers: Orphanet 140162, MedGen C0027672, MeSH D009386, MONDO:0015356.
Hereditary breast ovarian cancer syndrome. Also called: BRCA1- and BRCA2-Associated Hereditary Breast and Ovarian Cancer; Hereditary breast and ovarian cancer syndrome; Hereditary breast and ovarian cancer syndrome (HBOC); Breast and ovarian cancer; Hereditary breast and/or ovarian cancer syndrome; Hereditary breast and ovarian cancer. Identifiers: Orphanet 145, MedGen C0677776, MeSH D061325, MONDO:0003582. Disease mechanism: loss of function.
Breast-ovarian cancer, familial, susceptibility to, 1 (BROVCA1). Also called: BRCA1 Hereditary Breast and Ovarian Cancer; OVARIAN CANCER, SUSCEPTIBILITY TO. Identifiers: Orphanet 145, MedGen C2676676, MONDO:0011450, OMIM 604370. Disease mechanism: loss of function.

gnomAD v4.1: 1 of 1,614,060 alleles (0.000062%); no homozygotes.

Submissions (8):

Evidence-based Network for the Interpretation of Germline Mutant Alleles (ENIGMA)
Classification: Pathogenic for Breast-ovarian cancer, familial, susceptibility to, 1. Last evaluated: 2016-09-08. Review status: reviewed by expert panel. Criteria: ENIGMA BRCA1/2 Classification Criteria (2015). Collection method: curation. Allele origin: germline.
Comment: Variant allele predicted to encode a truncated non-functional protein.

Ambry Genetics
Classification: Pathogenic for Hereditary cancer-predisposing syndrome. Last evaluated: 2021-06-02. Review status: criteria provided, single submitter. Criteria: Ambry Variant Classification Scheme 2023. Collection method: clinical testing. Allele origin: germline. Not counted in ClinVar's aggregate classification.
Comment: The p.E1754* pathogenic mutation (also known as c.5260G>T), located in coding exon 18 of the BRCA1 gene, results from a G to T substitution at nucleotide position 5260. This changes the amino acid from a glutamic acid to a stop codon within coding exon 18. This alteration has been identified in multiple families with breast and/or ovarian cancer (Valarmathi MT et al. Hum Mutat, 2003 Jan;21:98-9; Park JS et al. Cancer Res Treat, 2017 Oct;49:1012-1021; Lesueur F et al. Front Oncol, 2018 Oct;8:490; Tsaousis GN et al. BMC Cancer, 2019 Jun;19:535). One functional study found that this nucleotide substitution is non-functional in a high-throughput, genome editing, haploid cell survival assay (Findlay GM et al. Nature, 2018 10;562:217-222). This alteration was also identified in a large, worldwide study of BRCA1/2 mutation positive families (Rebbeck TR et al. Hum Mutat, 2018 05;39:593-620). Of note this alteration is also described in the literature as 5379G>T. In addition to the clinical data presented in the literature, this alteration is expected to result in loss of function by premature protein truncation or nonsense-mediated mRNA decay. As such, this alteration is interpreted as a disease-causing mutation.

GeneKor MSA
Classification: Pathogenic for Hereditary breast and ovarian cancer syndrome. Last evaluated: 2020-01-01. Review status: criteria provided, single submitter. Criteria: ACMG Guidelines, 2015. Collection method: clinical testing. Allele origin: germline. Affected: yes. Not counted in ClinVar's aggregate classification.
Comment: This sequence change creates a premature translational stop signal at codon 5260 of the BRCA1 protein. It is expected to result in an absent or disrupted protein product. Truncating variants in BRCA1 are known to be pathogenic. This particular variant has been described in the mutation database ClinVar (Variation ID: 55489)

Quest Diagnostics Nichols Institute San Juan Capistrano
Classification: Pathogenic. Last evaluated: 2018-10-26. Review status: criteria provided, single submitter. Criteria: Quest Diagnostics criteria. Collection method: clinical testing. Allele origin: germline. Not counted in ClinVar's aggregate classification.
Comment: The variant creates a premature nonsense codon, and is therefore predicted to significantly disrupt the protein structure. Found in at least one symptomatic patient, and found in general population data that is consistent with pathogenicity.

Labcorp Genetics (formerly Invitae), Labcorp
Classification: Pathogenic for Hereditary breast ovarian cancer syndrome. Last evaluated: 2015-10-14. Review status: criteria provided, single submitter. Criteria: Invitae Variant Classification Sherloc (09022015). Collection method: clinical testing. Allele origin: germline. Not counted in ClinVar's aggregate classification.
Comment: This sequence change creates a premature translational stop signal at codon 1754 (p.Glu1754*). It is expected to result in an absent or disrupted protein product. Truncating variants in BRCA1 are known to be pathogenic. This particular truncation has been found in individuals affected with breast cancer with a family history of breast ovarian cancer (PMID: 12497638, 25863477). For these reasons, this variant has been classified as Pathogenic.

Consortium of Investigators of Modifiers of BRCA1/2 (CIMBA), c/o University of Cambridge
Classification: Pathogenic for Breast-ovarian cancer, familial, susceptibility to, 1. Last evaluated: 2015-10-02. Review status: criteria provided, single submitter. Criteria: CIMBA Mutation Classification guidelines May 2016. Collection method: clinical testing. Allele origin: germline. Not counted in ClinVar's aggregate classification.

Breast Cancer Information Core (BIC) (BRCA1)
Classification: Pathogenic for Breast-ovarian cancer, familial 1. Last evaluated: 1999-06-22. Review status: no assertion criteria provided. Collection method: clinical testing. Allele origin: germline. Affected: yes. Observed: 8 variant alleles. Not counted in ClinVar's aggregate classification.

Brotman Baty Institute, University of Washington
No classification provided (evidence only). Condition: Breast-ovarian cancer, familial 1. Review status: no classification provided. Collection method: in vitro. Allele origin: not applicable. Functional consequence: functionally_abnormal. Not counted in ClinVar's aggregate classification.
ClinVar note: "not provided" was previously submitted as the classification for the variant. However, the classification appeared to be based only on an observation of functional data so it was converted to no classification on 2025-07-30.

Literature cited by the submitters: PubMed 12497638 (cited by 3 submitters); PubMed 28111427 (cited by Ambry Genetics); PubMed 29446198 (cited by Ambry Genetics and Quest Diagnostics Nichols Institute San Juan Capistrano); PubMed 30209399 (cited by Ambry Genetics); PubMed 30430080 (cited by Ambry Genetics); PubMed 31159747 (cited by Ambry Genetics); PubMed 25863477 (cited by Quest Diagnostics Nichols Institute San Juan Capistrano and Labcorp Genetics (formerly Invitae), Labcorp); PubMed 28205045 (cited by Quest Diagnostics Nichols Institute San Juan Capistrano); PubMed 29673794 (cited by Quest Diagnostics Nichols Institute San Juan Capistrano); Proc. Am. Assoc. Cancer Res. 39:201, A3748, 1999 (cited by Breast Cancer Information Core (BIC) (BRCA1)).